The following is an entry in ClinVar:

NM_012338.4(TSPAN12):c.283T>C (p.Trp95Arg)

Gene: TSPAN12 (tetraspanin 12; minus strand). Cytogenetic location: 7q31.31.
Variant type: single nucleotide variant.
Coding change: c.283T>C on transcript NM_012338.4 (MANE Select); coding-DNA position 283, T replaced by C.
Protein change: p.Trp95Arg; replaces tryptophan 95 with arginine.
Molecular consequence: missense variant.
Genome position (GRCh38, 1-based): chr7:120,838,779, A>G on the plus strand (T>C on the coding strand, the complement: TSPAN12 is on the minus strand). VCF-style: chr7-120838779-A-G. GRCh37 (hg19) VCF-style: chr7-120478833-A-G.
Other names: short protein forms W95R.
Identifiers: ClinVar variation 1705323 (VCV001705323.1), dbSNP rs2485419810, ClinGen allele CA369141161.
Genomic context (GRCh38, chr7:120,838,779, plus strand): 5'-ATAATATATTACTGGTTAATCTTTTTAACTATAATAAAGAGAAAATATAACATCATACCC[A>G]TGCAAGAAGCAACAGATTTCTTTTCACCGTTCCACAATATCCTAACATCCCCACAATGAT-3'
Protein context (NP_036470.1, residues 85-105): TVKRNLLLLA[Trp95Arg]YFGSLLVIFC

ClinVar aggregate classification (germline): Uncertain significance (1 of 4 stars; one submission).

Conditions:
Exudative vitreoretinopathy 5 (EVR5). Identifiers: Orphanet 891, MedGen C2750079, MONDO:0013218, OMIM 613310.

Submission:

3billion
Classification: Uncertain significance for Exudative vitreoretinopathy 5. Last evaluated: 2022-09-01. Review status: criteria provided, single submitter. Criteria: ACMG Guidelines, 2015. Collection method: clinical testing. Allele origin: germline. Affected: yes. Observed: 1 heterozygote.
Comment: The variant is not observed in the gnomAD v2.1.1 dataset. In silico tool predictions suggest damaging effect of the variant on gene or gene product (REVEL: 0.49; 3Cnet: 0.78). Therefore, this variant is classified as uncertain significance according to the recommendation of ACMG/AMP guideline.